The following is an entry in ClinVar:

NM_174934.4(SCN4B):c.2T>G (p.Met1Arg)

Gene: SCN4B (sodium voltage-gated channel beta subunit 4; minus strand). Cytogenetic location: 11q23.3.
Variant type: single nucleotide variant.
Coding change: c.2T>G on transcript NM_174934.4 (MANE Select); coding-DNA position 2, T replaced by G.
Protein change: p.Met1Arg; changes the start codon (methionine 1).
Molecular consequence: missense variant, initiator codon variant.
Genome position (GRCh38, 1-based): chr11:118,152,672, A>C on the plus strand (T>G on the coding strand, the complement: SCN4B is on the minus strand). VCF-style: chr11-118152672-A-C. GRCh37 (hg19) VCF-style: chr11-118023387-A-C.
Other names: c.2T>G, p.Met1Arg (NM_001142348.2); short protein forms M1R.
Identifiers: ClinVar variation 2626178 (VCV002626178.2), dbSNP rs764844756, ClinGen allele CA302225.

ClinVar aggregate classification (germline): Uncertain significance (1 of 4 stars; one submission).

Conditions:
Cardiovascular phenotype. Identifiers: MedGen CN230736.

Submission:

Ambry Genetics
Classification: Uncertain significance for Cardiovascular phenotype. Last evaluated: 2023-07-24. Review status: criteria provided, single submitter. Criteria: Ambry Variant Classification Scheme 2023. Collection method: clinical testing. Allele origin: germline.
Comment: The p.M1? variant (also known as c.2T>G) is located in coding exon 1 of the SCN4B gene and results from a T to G substitution at nucleotide position 2. This alters the methionine residue at the initiation codon (ATG). This amino acid position is highly conserved in available vertebrate species. Sequence variations that modify the initiation codon are expected to result in either loss of translation initiation, N-terminal truncation, or cause a shift in the mRNA reading frame. However, the evidence for this gene-disease relationship is limited; therefore, the clinical significance of this alteration is unclear.